The following is an entry in ClinVar:

NM_000035.4(ALDOB):c.522C>T (p.Tyr174=)

Gene: ALDOB (aldolase, fructose-bisphosphate B; minus strand). Cytogenetic location: 9q31.1.
Variant type: single nucleotide variant.
Coding change: c.522C>T on transcript NM_000035.4 (MANE Select); coding-DNA position 522, C replaced by T.
Protein change: p.Tyr174=; no amino-acid change (tyrosine 174 retained).
Molecular consequence: synonymous variant.
Genome position (GRCh38, 1-based): chr9:101,427,500, G>A on the plus strand (C>T on the coding strand, the complement: ALDOB is on the minus strand). VCF-style: chr9-101427500-G-A. GRCh37 (hg19) VCF-style: chr9-104189782-G-A.
Other names: c.522C>T, p.Tyr174= (LRG_1244t1).
Identifiers: ClinVar variation 390695 (VCV000390695.10), dbSNP rs752902486, ClinGen allele CA5161574.
Genomic context (GRCh38, chr9:101,427,500, plus strand): 5'-CTCTAGCCTACTCTTTTTCAGCCCAAGGGGAAGGCAGAGCACCTGCTGACAGATGCTGGC[G>A]TAGCGAGCCAGGGCGTTGGCGTTTTCCTGGATAGCGAGGCTGGATGGACACTGGTCGGCA-3'
Protein context (NP_000026.2, residues 164-184): IQENANALAR[Tyr174=]ASICQQNGLV

ClinVar aggregate classification (germline): Likely benign. Review status: criteria provided, multiple submitters, no conflicts (2 of 4 stars). 2 submissions from 2 submitters: Likely benign (2). Last evaluated 2026-01-22.

Conditions:
Hereditary fructosuria. Also called: Hereditary fructose intolerance; Fructose intolerance; ALDOB DEFICIENCY; ALDOLASE B DEFICIENCY; FRUCTOSE-1,6-BISPHOSPHATE ALDOLASE B DEFICIENCY; FRUCTOSE-1-PHOSPHATE ALDOLASE DEFICIENCY. Identifiers: Orphanet 469, MedGen C0016751, MONDO:0009249, OMIM 229600, HP:0005973. Disease mechanism: loss of function.

Allele frequency attached by ClinVar (database versions not stated): ExAC 0.00003; gnomAD 0.00003; gnomAD exomes 0.00004; TOPMed 0.00006.
gnomAD v4.1: 51 of 1,614,058 alleles (0.0032%); highest among the groups gnomAD compares: East Asian, 0.0045%; no homozygotes.

Submissions (2):

Labcorp Genetics (formerly Invitae), Labcorp
Classification: Likely benign for Hereditary fructosuria. Last evaluated: 2026-01-22. Review status: criteria provided, single submitter. Criteria: Invitae Variant Classification Sherloc (09022015). Collection method: clinical testing. Allele origin: germline.

GeneDx
Classification: Likely benign. Last evaluated: 2016-11-15. Review status: criteria provided, single submitter. Criteria: GeneDx Variant Classification (06012015). Collection method: clinical testing. Allele origin: germline. Affected: yes.
Comment: This variant is considered likely benign or benign based on one or more of the following criteria: it is a conservative change, it occurs at a poorly conserved position in the protein, it is predicted to be benign by multiple in silico algorithms, and/or has population frequency not consistent with disease.